The following is an entry in ClinVar:

NM_003839.4(TNFRSF11A):c.1825C>T (p.Gln609Ter)

Gene: TNFRSF11A (TNF receptor superfamily member 11a; plus strand). Cytogenetic location: 18q21.33.
Variant type: single nucleotide variant.
Coding change: c.1825C>T on transcript NM_003839.4 (MANE Select); coding-DNA position 1825, C replaced by T.
Protein change: p.Gln609Ter; replaces glutamine 609 with a stop codon.
Molecular consequence: nonsense. On other transcripts: 3 prime UTR variant (1).
Genome position (GRCh38, 1-based): chr18:62,385,008, C>T. VCF-style: chr18-62385008-C-T. GRCh37 (hg19) VCF-style: chr18-60052241-C-T.
Other names: c.*249C>T (NM_001270949.2); c.988C>T, p.Gln330Ter (NM_001270950.2); c.874C>T, p.Gln292Ter (NM_001270951.2); c.1783C>T, p.Gln595Ter (NM_001278268.2); short protein forms Q595*, Q609*, Q292*, Q330*.
Identifiers: ClinVar variation 4767286 (VCV004767286.1).

ClinVar aggregate classification (germline): Uncertain significance (1 of 4 stars; one submission).

Submission:

Labcorp Genetics (formerly Invitae), Labcorp
Classification: Uncertain significance. Last evaluated: 2025-09-09. Review status: criteria provided, single submitter. Criteria: Invitae Variant Classification Sherloc (09022015). Collection method: clinical testing. Allele origin: germline.
Comment: This sequence change creates a premature translational stop signal (p.Gln609*) in the TNFRSF11A gene. While this is not anticipated to result in nonsense mediated decay, it is expected to disrupt the last 8 amino acid(s) of the TNFRSF11A protein. This variant is not present in population databases (gnomAD no frequency). This variant has not been reported in the literature in individuals affected with TNFRSF11A-related conditions. Experimental studies and prediction algorithms are not available or were not evaluated, and the functional significance of this variant is currently unknown. In summary, the available evidence is currently insufficient to determine the role of this variant in disease. Therefore, it has been classified as a Variant of Uncertain Significance.